The following is an entry in ClinVar:

ClinVar aggregate classification (germline): Pathogenic (1 of 4 stars; one submission).

Conditions:
Loeys-Dietz syndrome 4 (LDS4). Also called: TGFB2-Related Loeys-Dietz Syndrome; ANEURYSM, AORTIC AND CEREBRAL, WITH ARTERIAL TORTUOSITY AND SKELETAL MANIFESTATIONS. Identifiers: MedGen C3553762, MONDO:0013897, OMIM 614816.

Submission:

Labcorp Genetics (formerly Invitae), Labcorp
Classification: Pathogenic for Loeys-Dietz syndrome 4. Last evaluated: 2023-10-04. Review status: criteria provided, single submitter. Criteria: Invitae Variant Classification Sherloc (09022015). Collection method: clinical testing. Allele origin: germline.
Comment: This sequence change creates a premature translational stop signal (p.Val63Serfs*5) in the TGFB2 gene. It is expected to result in an absent or disrupted protein product. Loss-of-function variants in TGFB2 are known to be pathogenic (PMID: 22772368, 22772371, 30739908). This variant is not present in population databases (gnomAD no frequency). This variant has not been reported in the literature in individuals affected with TGFB2-related conditions. For these reasons, this variant has been classified as Pathogenic.

Literature cited by the submitters: PubMed 22772368; PubMed 22772371; PubMed 30739908.

NM_003238.6(TGFB2):c.186del (p.Val63fs)

Gene: TGFB2 (transforming growth factor beta 2; plus strand). Cytogenetic location: 1q41.
Variant type: Deletion.
Coding change: c.186del on transcript NM_003238.6 (MANE Select); coding-DNA position 186, one base deleted (A; older notation c.186delA).
Protein change: p.Val63fs; shifts the reading frame from valine 63.
Molecular consequence: frameshift variant. On other transcripts: non-coding transcript variant (2).
Genome position (GRCh38, 1-based): chr1:218,346,887, A deleted; the last of 2 consecutive A bases (chr1:218,346,886-218,346,887); deleting either gives the same sequence. VCF-style (leftmost placement, unchanged base first): chr1-218346885-GA-G. GRCh37 (hg19) VCF-style: chr1-218520227-GA-G.
Other names: c.186del, p.Val63fs (NM_001135599.4); short protein forms V63fs.
Identifiers: ClinVar variation 2765505 (VCV002765505.3), dbSNP rs2464549704, ClinGen allele CA2697554955.